The following is an entry in ClinVar:

NM_005559.4(LAMA1):c.7603G>A (p.Gly2535Ser)

Gene: LAMA1 (laminin subunit alpha 1; minus strand). Cytogenetic location: 18p11.31.
Variant type: single nucleotide variant.
Coding change: c.7603G>A on transcript NM_005559.4 (MANE Select); coding-DNA position 7603, G replaced by A.
Protein change: p.Gly2535Ser; replaces glycine 2535 with serine.
Molecular consequence: missense variant.
Genome position (GRCh38, 1-based): chr18:6,961,609, C>T on the plus strand (G>A on the coding strand, the complement: LAMA1 is on the minus strand). VCF-style: chr18-6961609-C-T. GRCh37 (hg19) VCF-style: chr18-6961608-C-T.
Other names: short protein forms G2535S.
Identifiers: ClinVar variation 1805050 (VCV001805050.1), dbSNP rs2510827534, ClinGen allele CA401845738.

ClinVar aggregate classification (germline): Uncertain significance (1 of 4 stars; one submission).

Conditions:
Ataxia - intellectual disability - oculomotor apraxia - cerebellar cysts syndrome. Also called: Poretti-Boltshauser syndrome. Identifiers: Orphanet 370022, MedGen C4014821, MONDO:0014419, OMIM 615960.

Submission:

Victorian Clinical Genetics Services, Murdoch Childrens Research Institute
Classification: Uncertain significance for Ataxia - intellectual disability - oculomotor apraxia - cerebellar cysts syndrome. Last evaluated: 2022-02-02. Review status: criteria provided, single submitter. Criteria: ACMG Guidelines, 2015. Collection method: clinical testing. Allele origin: germline. Inheritance: Autosomal recessive inheritance.
Comment: Based on the classification scheme VCGS_Germline_v1.3.4, this variant is classified as VUS-3C. Following criteria are met: 0102 - Loss of function is a known mechanism of disease in this gene and is associated with Poretti-Boltshauser syndrome (MIM#615960). (I) 0106 - This gene is associated with autosomal recessive disease. (I) 0200 - Variant is predicted to result in a missense amino acid change from glycine to serine. (I) 0251 - This variant is heterozygous. (I) 0301 - Variant is absent from gnomAD (both v2 and v3). (SP) 0503 - Missense variant consistently predicted to be tolerated by multiple in silico tools and not conserved in placental mammals with a minor amino acid change. (SB) 0600 - Variant is located in the cell attachment motif of the annotated laminin G-like 3 domain (UniProt). (I) 0705 - No comparable missense variants have previous evidence for pathogenicity. (I) 0807 - This variant has no previous evidence of pathogenicity. (I) 0905 - No published segregation evidence has been identified for this variant. (I) 1007 - No published functional evidence has been identified for this variant. (I) 1208 - Inheritance information for this variant is not currently available in this individual. (I) Legend: (SP) - Supporting pathogenic, (I) - Information, (SB) - Supporting benign